The following is an entry in ClinVar:

NM_001205293.3(CACNA1E):c.4714A>G (p.Met1572Val)

Gene: CACNA1E (calcium voltage-gated channel subunit alpha1 E; plus strand). Cytogenetic location: 1q25.3.
Variant type: single nucleotide variant.
Coding change: c.4714A>G on transcript NM_001205293.3 (MANE Select); coding-DNA position 4714, A replaced by G.
Protein change: p.Met1572Val; replaces methionine 1572 with valine.
Molecular consequence: missense variant.
Genome position (GRCh38, 1-based): chr1:181,763,430, A>G. VCF-style: chr1-181763430-A-G. GRCh37 (hg19) VCF-style: chr1-181732566-A-G.
Other names: c.4714A>G, p.Met1572Val (NM_000721.4); c.4657A>G, p.Met1553Val (NM_001205294.2); short protein forms M1572V, M1553V.
Identifiers: ClinVar variation 2130725 (VCV002130725.4), dbSNP rs772523843, ClinGen allele CA343626284.
Genomic context (GRCh38, chr1:181,763,430, plus strand): 5'-ATGTTCCTAATTATATGTTTCCTTTTGGTCCACCAGCTGGTGAACACCAGTGGCTTCAAT[A>G]TGAGCTTTCTGAAGCTCTTCCGAGCTGCCCGCCTCATAAAGCTCCTGCGTCAGGGCTATA-3'
Protein context (NP_001192222.1, residues 1562-1582): SKLVNTSGFN[Met1572Val]SFLKLFRAAR

ClinVar aggregate classification (germline): Uncertain significance (1 of 4 stars; one submission).

Submission:

Labcorp Genetics (formerly Invitae), Labcorp
Classification: Uncertain significance. Last evaluated: 2022-04-25. Review status: criteria provided, single submitter. Criteria: Invitae Variant Classification Sherloc (09022015). Collection method: clinical testing. Allele origin: germline.
Comment: This sequence change replaces methionine, which is neutral and non-polar, with valine, which is neutral and non-polar, at codon 1572 of the CACNA1E protein (p.Met1572Val). This variant is not present in population databases (gnomAD no frequency). This variant has not been reported in the literature in individuals affected with CACNA1E-related conditions. Algorithms developed to predict the effect of missense changes on protein structure and function are either unavailable or do not agree on the potential impact of this missense change (SIFT: "Deleterious"; PolyPhen-2: "Benign"; Align-GVGD: "Class C15"). In summary, the available evidence is currently insufficient to determine the role of this variant in disease. Therefore, it has been classified as a Variant of Uncertain Significance.